The following is an entry in ClinVar:

ClinVar aggregate classification (germline): Likely benign (1 of 4 stars; one submission).

Submission:

CeGaT Center for Human Genetics Tuebingen
Classification: Likely benign. Last evaluated: 2024-04-01. Review status: criteria provided, single submitter. Criteria: CeGaT Center For Human Genetics Tuebingen Variant Classification Criteria Version 2. Collection method: clinical testing. Allele origin: germline. Affected: yes. Observed: 1 variant allele.
Comment: LYST: PM2:Supporting, BP4, BP7

NM_000081.4(LYST):c.9366T>C (p.Leu3122=)

Gene: LYST (lysosomal trafficking regulator; minus strand). Cytogenetic location: 1q42.3.
Variant type: single nucleotide variant.
Coding change: c.9366T>C on transcript NM_000081.4 (MANE Select); coding-DNA position 9366, T replaced by C.
Protein change: p.Leu3122=; no amino-acid change (leucine 3122 retained).
Molecular consequence: synonymous variant.
Genome position (GRCh38, 1-based): chr1:235,720,855, A>G on the plus strand (T>C on the coding strand, the complement: LYST is on the minus strand). VCF-style: chr1-235720855-A-G. GRCh37 (hg19) VCF-style: chr1-235884155-A-G.
Other names: c.9366T>C, p.Leu3122= (NM_001301365.1).
Identifiers: ClinVar variation 3234520 (VCV003234520.20), dbSNP rs2527449973, ClinGen allele CA423766642.
Genomic context (GRCh38, chr1:235,720,855, plus strand): 5'-ATTAGTAATTTGCCCAGTATACCATAAATTTGTCAGAGCGGTGATGTTACCATATTCCAG[A>G]AGATTAGGGAGGTTATTTGTGAGTATATTGTGGTATACATCATCACGAACCTAAAAGGGA-3'
Protein context (NP_000072.2, residues 3112-3132): HNILTNNLPN[Leu3122=]LEYGNITALT